The following is an entry in ClinVar:

ClinVar aggregate classification (germline): Pathogenic. Review status: criteria provided, multiple submitters, no conflicts (2 of 4 stars). 7 submissions from 7 submitters: Pathogenic (7). Last evaluated 2026-08-13.

Conditions:
Neurofibromatosis, type 1 (NF1). Also called: VON RECKLINGHAUSEN DISEASE; Neurofibromatosis, type I; Peripheral type neurofibromatosis; NEUROFIBROMATOSIS, TYPE I, SOMATIC. Identifiers: Orphanet 636, MedGen C0027831, MONDO:0018975, OMIM 162200. Disease mechanism: loss of function.
NF1-related disorder. Also called: NF1-related condition. Identifiers: MedGen CN379171.
Tibial pseudarthrosis. Identifiers: MedGen C4024216, HP:0009736.
Hereditary cancer-predisposing syndrome. Also called: Neoplastic Syndromes, Hereditary; Hereditary Cancer Syndrome; Hereditary neoplastic syndrome; Tumor predisposition. Identifiers: Orphanet 140162, MedGen C0027672, MeSH D009386, MONDO:0015356.
Cardiovascular phenotype. Identifiers: MedGen CN230736.

Allele frequency attached by ClinVar (database versions not stated): gnomAD exomes below 0.00001.

Submissions (7):

Ambry Genetics
Classification: Pathogenic for Cardiovascular phenotype; Hereditary cancer-predisposing syndrome. Last evaluated: 2026-08-13. Review status: criteria provided, single submitter. Criteria: Ambry Variant Classification Scheme 2023. Collection method: clinical testing. Allele origin: germline.
Comment: The p.Q535* pathogenic mutation (also known as c.1603C>T), located in coding exon 14 of the NF1 gene, results from a C to T substitution at nucleotide position 1603. This changes the amino acid from a glutamine to a stop codon within coding exon 14. This variant was reported in individual(s) with features consistent with Neurofibromatosis type 1 (Tritto V et al. Genes (Basel), 2019 Nov;10; Zhu G et al. Orphanet J Rare Dis, 2019 Sep;14:221; Melloni G et al. Cancers (Basel), 2019 Nov;11:). This variant is considered to be rare based on population cohorts in the Genome Aggregation Database (gnomAD). This variant is expected to result in loss of function by premature protein truncation or nonsense-mediated mRNA decay. As such, this variant is interpreted as a disease-causing mutation.

GeneDx
Classification: Pathogenic. Last evaluated: 2026-07-03. Review status: criteria provided, single submitter. Criteria: GeneDx Variant Classification Process June 2021. Collection method: clinical testing. Allele origin: germline.
Comment: Nonsense variant predicted to result in protein truncation or nonsense mediated decay in a gene for which loss of function is a known mechanism of disease; Not observed at significant frequency in large population cohorts (gnomAD); This variant is associated with the following publications: (PMID: 26740943, 31533797)

Labcorp Genetics (formerly Invitae), Labcorp
Classification: Pathogenic for Neurofibromatosis, type 1. Last evaluated: 2026-01-03. Review status: criteria provided, single submitter. Criteria: Invitae Variant Classification Sherloc (09022015). Collection method: clinical testing. Allele origin: germline.
Comment: This sequence change creates a premature translational stop signal (p.Gln535*) in the NF1 gene. It is expected to result in an absent or disrupted protein product. Loss-of-function variants in NF1 are known to be pathogenic (PMID: 10712197, 23913538). This variant is not present in population databases (gnomAD no frequency). This premature translational stop signal has been observed in individual(s) with clinical features of neurofibromatosis type I (PMID: 26740943, 31533797). Invitae Evidence Modeling of clinical and family history, age, sex, and reported ancestry of multiple individuals with this NF1 variant has been performed. This variant is expected to be pathogenic with a positive predictive value of at least 99%. This is a validated machine learning model that incorporates the clinical features of 1,785,918 individuals referred to our laboratory for NF1 testing. ClinVar contains an entry for this variant (Variation ID: 571976). For these reasons, this variant has been classified as Pathogenic.

PreventionGenetics, part of Exact Sciences
Classification: Pathogenic for NF1-related condition. Last evaluated: 2025-07-14. Review status: criteria provided, single submitter. Criteria: ACMG Guidelines, 2015. Collection method: clinical testing. Allele origin: germline.
Comment: The NF1 c.1603C>T variant is predicted to result in premature protein termination (p.Gln535*). This variant has been reported in individuals with neurofibromatosis type 1 (Table S2, Bianchessi et al. 2015. PubMed ID: 26740943; Zhu et al. 2019. PubMed ID: 31533797). This variant has not been reported in a large population database, indicating it is rare, and is classified as pathogenic in the ClinVar database. Nonsense variants in NF1 are expected to be pathogenic. This variant is interpreted as pathogenic.

Laboratory of Genetics, Children's Clinical University Hospital Latvia
Classification: Pathogenic. Last evaluated: 2025-02-16. Review status: criteria provided, single submitter. Criteria: ACMG Guidelines, 2015. Collection method: clinical testing. Allele origin: germline. Affected: yes.

Genome-Nilou Lab
Classification: Pathogenic for Neurofibromatosis, type 1. Last evaluated: 2022-03-15. Review status: criteria provided, single submitter. Criteria: ACMG Guidelines, 2015. Collection method: clinical testing. Allele origin: germline. Affected: no.

The Laboratory of Genetics and Metabolism, Hunan Children’s Hospital
Classification: Pathogenic for Neurofibromatosis, type 1; Tibial pseudoarthrosis. Last evaluated: 2018-11-10. Review status: criteria provided, single submitter. Criteria: ACMG Guidelines, 2015. Collection method: research. Allele origin: maternal. Affected: yes. Observed: 1 variant allele.

Literature cited by the submitters: PubMed 31533797 (cited by 3 submitters); PubMed 31694342 (cited by Ambry Genetics); PubMed 31766501 (cited by Ambry Genetics); PubMed 10712197 (cited by Labcorp Genetics (formerly Invitae), Labcorp); PubMed 23913538 (cited by Labcorp Genetics (formerly Invitae), Labcorp); PubMed 26740943 (cited by Labcorp Genetics (formerly Invitae), Labcorp).

NM_001042492.3(NF1):c.1603C>T (p.Gln535Ter)

Gene: NF1 (neurofibromin 1; plus strand). Cytogenetic location: 17q11.2.
Variant type: single nucleotide variant.
Coding change: c.1603C>T on transcript NM_001042492.3 (MANE Select); coding-DNA position 1603, C replaced by T.
Protein change: p.Gln535Ter; replaces glutamine 535 with a stop codon.
Molecular consequence: nonsense.
Genome position (GRCh38, 1-based): chr17:31,219,080, C>T. VCF-style: chr17-31219080-C-T. GRCh37 (hg19) VCF-style: chr17-29546098-C-T.
Other names: c.1603C>T, p.Gln535Ter (NM_000267.4, NM_001128147.3); short protein forms Q535*.
Identifiers: ClinVar variation 571976 (VCV000571976.19), dbSNP rs1567843917, ClinGen allele CA399001969.